The following is an entry in ClinVar:

NM_000057.4(BLM):c.3424G>A (p.Ala1142Thr)

Gene: BLM (BLM RecQ like helicase; plus strand). Cytogenetic location: 15q26.1.
Variant type: single nucleotide variant.
Coding change: c.3424G>A on transcript NM_000057.4 (MANE Select); coding-DNA position 3424, G replaced by A.
Protein change: p.Ala1142Thr; replaces alanine 1142 with threonine.
Molecular consequence: missense variant. On other transcripts: intron variant (1).
Genome position (GRCh38, 1-based): chr15:90,803,586, G>A. VCF-style: chr15-90803586-G-A. GRCh37 (hg19) VCF-style: chr15-91346816-G-A.
Other names: c.3424G>A, p.Ala1142Thr (NM_001287246.2); c.2299G>A, p.Ala767Thr (NM_001287248.2); c.3358+5249G>A (NM_001287247.2); short protein forms A767T, A1142T.
Identifiers: ClinVar variation 3707228 (VCV003707228.3).

ClinVar aggregate classification (germline): Uncertain significance. Review status: criteria provided, multiple submitters, no conflicts (2 of 4 stars). 2 submissions from 2 submitters: Uncertain significance (2). Last evaluated 2025-01-09.

Conditions:
Hereditary cancer-predisposing syndrome. Also called: Hereditary neoplastic syndrome; Tumor predisposition; Hereditary Cancer Syndrome; Neoplastic Syndromes, Hereditary. Identifiers: Orphanet 140162, MedGen C0027672, MeSH D009386, MONDO:0015356.
Bloom syndrome (BLM). Also called: Bloom-Torre-Machacek syndrome. Identifiers: Orphanet 125, MedGen C0005859, MONDO:0008876, OMIM 210900.

Submissions (2):

Ambry Genetics
Classification: Uncertain significance for Hereditary cancer-predisposing syndrome. Last evaluated: 2025-01-09. Review status: criteria provided, single submitter. Criteria: Ambry Variant Classification Scheme 2023. Collection method: clinical testing. Allele origin: germline.
Comment: The p.A1142T variant (also known as c.3424G>A), located in coding exon 17 of the BLM gene, results from a G to A substitution at nucleotide position 3424. The alanine at codon 1142 is replaced by threonine, an amino acid with similar properties. This amino acid position is conserved. In addition, the in silico prediction for this alteration is inconclusive. Based on the available evidence, the clinical significance of this variant remains unclear.

Labcorp Genetics (formerly Invitae), Labcorp
Classification: Uncertain significance for Bloom syndrome. Last evaluated: 2024-06-13. Review status: criteria provided, single submitter. Criteria: Invitae Variant Classification Sherloc (09022015). Collection method: clinical testing. Allele origin: germline.
Comment: This sequence change replaces alanine, which is neutral and non-polar, with threonine, which is neutral and polar, at codon 1142 of the BLM protein (p.Ala1142Thr). This variant is not present in population databases (gnomAD no frequency). This variant has not been reported in the literature in individuals affected with BLM-related conditions. Advanced modeling of protein sequence and biophysical properties (such as structural, functional, and spatial information, amino acid conservation, physicochemical variation, residue mobility, and thermodynamic stability) performed at Invitae indicates that this missense variant is expected to disrupt BLM protein function with a positive predictive value of 80%. In summary, the available evidence is currently insufficient to determine the role of this variant in disease. Therefore, it has been classified as a Variant of Uncertain Significance.